The following is an entry in ClinVar:

NM_000051.4(ATM):c.3719A>G (p.Asn1240Ser)

Gene: ATM (ATM serine/threonine kinase; plus strand). Cytogenetic location: 11q22.3.
Variant type: single nucleotide variant.
Coding change: c.3719A>G on transcript NM_000051.4 (MANE Select); coding-DNA position 3719, A replaced by G.
Protein change: p.Asn1240Ser; replaces asparagine 1240 with serine.
Molecular consequence: missense variant.
Genome position (GRCh38, 1-based): chr11:108,282,852, A>G. VCF-style: chr11-108282852-A-G. GRCh37 (hg19) VCF-style: chr11-108153579-A-G.
Other names: c.3719A>G, p.Asn1240Ser (NM_001351834.2); short protein forms N1240S.
Identifiers: ClinVar variation 489541 (VCV000489541.7), dbSNP rs1555092536, ClinGen allele CA382523747.

ClinVar aggregate classification (germline): Uncertain significance. Review status: criteria provided, multiple submitters, no conflicts (2 of 4 stars). 2 submissions from 2 submitters: Uncertain significance (2). Last evaluated 2025-08-24.

Conditions:
Hereditary cancer-predisposing syndrome. Also called: Tumor predisposition; Neoplastic Syndromes, Hereditary; Hereditary Cancer Syndrome; Hereditary neoplastic syndrome. Identifiers: Orphanet 140162, MedGen C0027672, MeSH D009386, MONDO:0015356.
Ataxia-telangiectasia syndrome (AT). Also called: Ataxia-telangiectasia; Ataxia-telangiectasia, complementation group D; AT, COMPLEMENTATION GROUP C; LOUIS-BAR SYNDROME; Cerebello-oculocutaneous telangiectasia; Immunodeficiency with ataxia telangiectasia. Identifiers: Orphanet 100, MedGen C0004135, MONDO:0008840, OMIM 208900.

Allele frequency attached by ClinVar (database versions not stated): gnomAD exomes below 0.00001.
gnomAD v4.1: 1 of 1,518,298 alleles (0.000066%); highest among the groups gnomAD compares: Non-Finnish European, 0.000091%; no homozygotes.

Submissions (2):

Labcorp Genetics (formerly Invitae), Labcorp
Classification: Uncertain significance for Ataxia-telangiectasia syndrome. Last evaluated: 2025-08-24. Review status: criteria provided, single submitter. Criteria: Invitae Variant Classification Sherloc (09022015). Collection method: clinical testing. Allele origin: germline.
Comment: This sequence change replaces asparagine, which is neutral and polar, with serine, which is neutral and polar, at codon 1240 of the ATM protein (p.Asn1240Ser). This variant is not present in population databases (gnomAD no frequency). This variant has not been reported in the literature in individuals affected with ATM-related conditions. ClinVar contains an entry for this variant (Variation ID: 489541). Invitae Evidence Modeling of protein sequence and biophysical properties (such as structural, functional, and spatial information, amino acid conservation, physicochemical variation, residue mobility, and thermodynamic stability) indicates that this missense variant is not expected to disrupt ATM protein function with a negative predictive value of 95%. In summary, the available evidence is currently insufficient to determine the role of this variant in disease. Therefore, it has been classified as a Variant of Uncertain Significance.

Color Diagnostics, LLC DBA Color Health
Classification: Uncertain significance for Hereditary cancer-predisposing syndrome. Last evaluated: 2023-12-05. Review status: criteria provided, single submitter. Criteria: ACMG Guidelines, 2015. Collection method: clinical testing. Allele origin: germline.
Comment: This missense variant replaces asparagine with serine at codon 1240 of the ATM protein. Computational prediction suggests that this variant may not impact protein structure and function (internally defined REVEL score threshold <= 0.5, PMID: 27666373). To our knowledge, functional studies have not been reported for this variant. This variant has not been reported in individuals affected with ATM-related disorders in the literature. This variant has not been identified in the general population by the Genome Aggregation Database (gnomAD). The available evidence is insufficient to determine the role of this variant in disease conclusively. Therefore, this variant is classified as a Variant of Uncertain Significance.